The following is an entry in ClinVar:

NM_016507.4(CDK12):c.544G>A (p.Glu182Lys)

Genes: CDK12 (cyclin dependent kinase 12; plus strand), LOC126862553 (CDK7 strongly-dependent group 2 enhancer GRCh37_chr17:37618166-37619365; plus strand). Cytogenetic location: 17q12.
Variant type: single nucleotide variant.
Coding change: c.544G>A on transcript NM_016507.4 (MANE Select); coding-DNA position 544, G replaced by A.
Protein change: p.Glu182Lys; replaces glutamic acid 182 with lysine.
Molecular consequence: missense variant.
Genome position (GRCh38, 1-based): chr17:39,462,615, G>A. VCF-style: chr17-39462615-G-A. GRCh37 (hg19) VCF-style: chr17-37618868-G-A.
Other names: c.544G>A, p.Glu182Lys (NM_015083.4); short protein forms E182K.
Identifiers: ClinVar variation 2394452 (VCV002394452.3), dbSNP rs1289047193, ClinGen allele CA398847050.

ClinVar aggregate classification (germline): Uncertain significance (1 of 4 stars; one submission).

Allele frequency attached by ClinVar (database versions not stated): gnomAD exomes 0.00001.
gnomAD v4.1: 3 of 1,614,114 alleles (0.00019%); highest among the groups gnomAD compares: Non-Finnish European, 0.00017%; no homozygotes.

Submission:

Ambry Genetics
Classification: Uncertain significance. Last evaluated: 2025-12-03. Review status: criteria provided, single submitter. Criteria: Ambry Variant Classification Scheme 2023. Collection method: clinical testing. Allele origin: germline.
Comment: The p.E182K variant (also known as c.544G>A), located in coding exon 1 of the CDK12 gene, results from a G to A substitution at nucleotide position 544. The glutamic acid at codon 182 is replaced by lysine, an amino acid with similar properties. This amino acid position is conserved. In addition, this alteration is predicted to be tolerated by in silico analysis. Based on the available evidence, the clinical significance of this variant remains unclear.